The following is an entry in ClinVar:

NM_130837.3(OPA1):c.2044A>G (p.Arg682Gly)

Gene: OPA1 (OPA1 mitochondrial dynamin like GTPase; plus strand). Cytogenetic location: 3q29.
Variant type: single nucleotide variant.
Coding change: c.2044A>G on transcript NM_130837.3 (MANE Select); coding-DNA position 2044, A replaced by G.
Protein change: p.Arg682Gly; replaces arginine 682 with glycine.
Molecular consequence: missense variant.
Genome position (GRCh38, 1-based): chr3:193,654,893, A>G. VCF-style: chr3-193654893-A-G. GRCh37 (hg19) VCF-style: chr3-193372682-A-G.
Other names: c.1510A>G, p.Arg504Gly (NM_001354663.2); c.1507A>G, p.Arg503Gly (NM_001354664.2); c.1879A>G, p.Arg627Gly (NM_015560.3); c.1771A>G, p.Arg591Gly (NM_130831.3); c.1825A>G, p.Arg609Gly (NM_130832.3); c.1882A>G, p.Arg628Gly (NM_130833.3); c.1933A>G, p.Arg645Gly (NM_130834.3); c.1936A>G, p.Arg646Gly (NM_130835.3); and 1 more; short protein forms R503G, R627G, R645G, R646G, R504G, R682G, R609G, R628G.
Identifiers: ClinVar variation 3000795 (VCV003000795.3), dbSNP rs745420039, ClinGen allele CA2759575.

ClinVar aggregate classification (germline): Uncertain significance (1 of 4 stars; one submission).

Allele frequency attached by ClinVar (database versions not stated): ExAC 0.00001; gnomAD exomes 0.00001.
gnomAD v4.1: 10 of 1,613,952 alleles (0.00062%); highest among the groups gnomAD compares: South Asian, 0.0099%; no homozygotes.

Submission:

Labcorp Genetics (formerly Invitae), Labcorp
Classification: Uncertain significance. Last evaluated: 2023-10-27. Review status: criteria provided, single submitter. Criteria: Invitae Variant Classification Sherloc (09022015). Collection method: clinical testing. Allele origin: germline.
Comment: This sequence change replaces arginine, which is basic and polar, with glycine, which is neutral and non-polar, at codon 627 of the OPA1 protein (p.Arg627Gly). This variant is present in population databases (rs745420039, gnomAD 0.01%). This variant has not been reported in the literature in individuals affected with OPA1-related conditions. Advanced modeling of protein sequence and biophysical properties (such as structural, functional, and spatial information, amino acid conservation, physicochemical variation, residue mobility, and thermodynamic stability) performed at Invitae indicates that this missense variant is not expected to disrupt OPA1 protein function with a negative predictive value of 80%. In summary, the available evidence is currently insufficient to determine the role of this variant in disease. Therefore, it has been classified as a Variant of Uncertain Significance.